The following is an entry in ClinVar:

NM_001077350.3(NPRL3):c.244C>T (p.Gln82Ter)

Genes: HBA-LCR (alpha-globin locus control region; plus strand), NPRL3 (NPR3 like, GATOR1 complex subunit; minus strand). Cytogenetic location: 16p13.3.
Variant type: single nucleotide variant.
Coding change: c.244C>T on transcript NM_001077350.3 (MANE Select); coding-DNA position 244, C replaced by T.
Protein change: p.Gln82Ter; replaces glutamine 82 with a stop codon.
Molecular consequence: nonsense. On other transcripts: intron variant (1).
Genome position (GRCh38, 1-based): chr16:119,200, G>A on the plus strand (C>T on the coding strand, the complement: NPRL3 is on the minus strand). VCF-style: chr16-119200-G-A. GRCh37 (hg19) VCF-style: chr16-169199-G-A.
Other names: c.10C>T, p.Gln4Ter (NM_001243247.2); c.244C>T, p.Gln82Ter (NM_001243248.2, NM_001243249.2); c.-144-6425C>T (NM_001039476.3); short protein forms Q82*, Q4*.
Identifiers: ClinVar variation 957130 (VCV000957130.7), dbSNP rs1900181500, ClinGen allele CA393995432.
Genomic context (GRCh38, chr16:119,200, plus strand): 5'-GCTGTAGCAGTGTTGGGTGCCCAACAAATCGCACATTATCAATCTTCAGTTCAAATTTTT[G>A]GCCACACATTTCAGACTTGGTTGCCAAAATTGTTGCCAGAATAACATCTGAAAACCTTAA-3'

ClinVar aggregate classification (germline): Pathogenic (1 of 4 stars; one submission).

Conditions:
Epilepsy, familial focal, with variable foci 3 (FFEVF3). Identifiers: MedGen C4310708, MONDO:0014925, OMIM 617118.

Submission:

Labcorp Genetics (formerly Invitae), Labcorp
Classification: Pathogenic for Epilepsy, familial focal, with variable foci 3. Last evaluated: 2024-09-05. Review status: criteria provided, single submitter. Criteria: Invitae Variant Classification Sherloc (09022015). Collection method: clinical testing. Allele origin: germline.
Comment: This sequence change creates a premature translational stop signal (p.Gln82*) in the NPRL3 gene. It is expected to result in an absent or disrupted protein product. Loss-of-function variants in NPRL3 are known to be pathogenic (PMID: 26285051, 26505888). This variant is not present in population databases (gnomAD no frequency). This variant has not been reported in the literature in individuals affected with NPRL3-related conditions. ClinVar contains an entry for this variant (Variation ID: 957130). For these reasons, this variant has been classified as Pathogenic.

Literature cited by the submitters: PubMed 26285051; PubMed 26505888.